The following is an entry in ClinVar:

NM_004483.5(GCSH):c.148+15C>T

Genes: GCSH (glycine cleavage system protein H; minus strand), LOC130059495 (ATAC-STARR-seq lymphoblastoid silent region 7751; plus strand). Cytogenetic location: 16q23.2.
Variant type: single nucleotide variant.
Coding change: c.148+15C>T on transcript NM_004483.5 (MANE Select); 15 bases into the intron after coding-DNA position 148, C replaced by T.
Molecular consequence: intron variant.
Genome position (GRCh38, 1-based): chr16:81,096,116, G>A on the plus strand (C>T on the coding strand, the complement: GCSH is on the minus strand). VCF-style: chr16-81096116-G-A. GRCh37 (hg19) VCF-style: chr16-81129721-G-A.
Identifiers: ClinVar variation 1602149 (VCV001602149.10), dbSNP rs544589105, ClinGen allele CA8186823.

ClinVar aggregate classification (germline): Benign/Likely benign. Review status: criteria provided, multiple submitters, no conflicts (2 of 4 stars). 3 submissions from 3 submitters: Benign (1); Likely benign (2). Last evaluated 2026-10-01.

Conditions:
Glycine encephalopathy. Also called: Nonketotic hyperglycinemia; Non-ketotic hyperglycinemia. Identifiers: Orphanet 407, MedGen C0751748, MONDO:0011612, HP:0008288.

Allele frequency attached by ClinVar (database versions not stated): gnomAD exomes 0.00023 and 0.00625; gnomAD 0.00327 and 0.00355; 1000 Genomes Project 30x 0.00328; 1000 Genomes Project 0.00339; TOPMed 0.00351; ExAC 0.02000.
gnomAD v4.1: 765 of 1,246,340 alleles (0.061%); highest among the groups gnomAD compares: African/African-American, 1.1%; 2 homozygotes.

Submissions (3):

CeGaT Center for Human Genetics Tuebingen
Classification: Likely benign. Last evaluated: 2026-10-01. Review status: criteria provided, single submitter. Criteria: CeGaT Center For Human Genetics Tuebingen Variant Classification Criteria Version 2. Collection method: clinical testing. Allele origin: germline. Affected: yes. Observed: 1 variant allele.
Comment: GCSH: BS1

Blueprint Genetics
Classification: Likely benign. Last evaluated: 2024-09-12. Review status: criteria provided, single submitter. Criteria: ACMG Guidelines, 2015. Collection method: clinical testing. Allele origin: germline.

Labcorp Genetics (formerly Invitae), Labcorp
Classification: Benign for Glycine encephalopathy. Last evaluated: 2022-07-26. Review status: criteria provided, single submitter. Criteria: Invitae Variant Classification Sherloc (09022015). Collection method: clinical testing. Allele origin: germline.